The following is an entry in ClinVar:

ClinVar aggregate classification (germline): Likely benign. Review status: criteria provided, single submitter (1 of 4 stars). 2 submissions from 2 submitters: Likely benign (1). 1 of the submissions does not count toward it. Last evaluated 2023-07-20.

Conditions:
PLXNA2-related disorder. Also called: PLXNA2-related condition.

Allele frequency attached by ClinVar (database versions not stated): ExAC 0.00004; gnomAD 0.00005; TOPMed 0.00006.
gnomAD v4.1: 112 of 1,607,390 alleles (0.007%); highest among the groups gnomAD compares: African/African-American, 0.019%; no homozygotes.

Submissions (2):

Labcorp Genetics (formerly Invitae), Labcorp
Classification: Likely benign. Last evaluated: 2023-07-20. Review status: criteria provided, single submitter. Criteria: Invitae Variant Classification Sherloc (09022015). Collection method: clinical testing. Allele origin: germline.

PreventionGenetics, part of Exact Sciences
Classification: Likely benign for PLXNA2-related condition. Last evaluated: 2023-02-27. Review status: no assertion criteria provided. Collection method: clinical testing. Allele origin: germline. Not counted in ClinVar's aggregate classification.
Comment: This variant is classified as likely benign based on ACMG/AMP sequence variant interpretation guidelines (Richards et al. 2015 PMID: 25741868, with internal and published modifications).

NM_025179.4(PLXNA2):c.5079C>T (p.Asp1693=)

Gene: PLXNA2 (plexin A2; minus strand). Cytogenetic location: 1q32.2.
Variant type: single nucleotide variant.
Coding change: c.5079C>T on transcript NM_025179.4 (MANE Select); coding-DNA position 5079, C replaced by T.
Protein change: p.Asp1693=; no amino-acid change (aspartic acid 1693 retained).
Molecular consequence: synonymous variant.
Genome position (GRCh38, 1-based): chr1:208,031,736, G>A on the plus strand (C>T on the coding strand, the complement: PLXNA2 is on the minus strand). VCF-style: chr1-208031736-G-A. GRCh37 (hg19) VCF-style: chr1-208205081-G-A.
Other names: c.5079C>T (NM_025179.3).
Identifiers: ClinVar variation 2858236 (VCV002858236.5), dbSNP rs767094642, ClinGen allele CA1372662.
Genomic context (GRCh38, chr1:208,031,736, plus strand): 5'-GATGGCCAGGGGGAGAGCGCTGCCCCGGTGCACAGTGCTGAACAAGGTCTCAAACAAGTC[G>A]TCCACAAACTTCTGCAGGGTGCCCTGGAGGAGGGGTGGGGGAGAGTAAGATGGAGGGGGG-3'
Protein context (NP_079455.3, residues 1683-1703): ATKGTLQKFV[Asp1693=]DLFETLFSTV